The following is an entry in ClinVar:

ClinVar aggregate classification (germline): Conflicting classifications of pathogenicity. Review status: criteria provided, conflicting classifications (1 of 4 stars). 4 submissions from 4 submitters: Uncertain significance (2); Benign (1); Likely benign (1). Last evaluated 2024-10-29.

Conditions:
Retinal dystrophy. Also called: Inherited retinal dystrophy. Identifiers: Orphanet 71862, MedGen C0854723, MeSH D058499, MONDO:0019118, HP:0000556.

Allele frequency attached by ClinVar (database versions not stated): ExAC 0.00003; gnomAD 0.00005; gnomAD exomes 0.00005 and 0.00006; TOPMed 0.00005.
gnomAD v4.1: 90 of 1,613,588 alleles (0.0056%); highest among the groups gnomAD compares: East Asian, 0.038%; no homozygotes.

Submissions (4):

Labcorp Genetics (formerly Invitae), Labcorp
Classification: Uncertain significance. Last evaluated: 2024-10-29. Review status: criteria provided, single submitter. Criteria: Invitae Variant Classification Sherloc (09022015). Collection method: clinical testing. Allele origin: germline.
Comment: This sequence change replaces threonine, which is neutral and polar, with methionine, which is neutral and non-polar, at codon 140 of the SPP2 protein (p.Thr140Met). This variant is present in population databases (rs756858234, gnomAD 0.05%). This variant has not been reported in the literature in individuals affected with SPP2-related conditions. ClinVar contains an entry for this variant (Variation ID: 1042294). An algorithm developed to predict the effect of missense changes on protein structure and function (PolyPhen-2) suggests that this variant is likely to be tolerated. In summary, the available evidence is currently insufficient to determine the role of this variant in disease. Therefore, it has been classified as a Variant of Uncertain Significance.

Ambry Genetics
Classification: Uncertain significance. Last evaluated: 2024-02-21. Review status: criteria provided, single submitter. Criteria: Ambry Variant Classification Scheme 2023. Collection method: clinical testing. Allele origin: germline.

Dept Of Ophthalmology, Nagoya University
Classification: Benign for Retinal dystrophy. Last evaluated: 2023-10-01. Review status: criteria provided, single submitter. Criteria: Submitter's publication. Collection method: research. Allele origin: germline. Affected: yes.

Blueprint Genetics
Classification: Likely benign. Last evaluated: 2023-09-19. Review status: criteria provided, single submitter. Criteria: ACMG Guidelines, 2015. Collection method: clinical testing. Allele origin: germline.

NM_006944.3(SPP2):c.419C>T (p.Thr140Met)

Gene: SPP2 (secreted phosphoprotein 2; plus strand). Cytogenetic location: 2q37.1.
Variant type: single nucleotide variant.
Coding change: c.419C>T on transcript NM_006944.3 (MANE Select); coding-DNA position 419, C replaced by T.
Protein change: p.Thr140Met; replaces threonine 140 with methionine.
Molecular consequence: missense variant.
Genome position (GRCh38, 1-based): chr2:234,060,454, C>T. VCF-style: chr2-234060454-C-T. GRCh37 (hg19) VCF-style: chr2-234969098-C-T.
Other names: c.419C>T (NM_006944.2); short protein forms T140M.
Identifiers: ClinVar variation 1042294 (VCV001042294.11), dbSNP rs756858234, ClinGen allele CA2183187.